The following is an entry in ClinVar:

NM_018341.3(ERMARD):c.857G>A (p.Arg286Lys)

Gene: ERMARD (ER membrane associated RNA degradation; plus strand). Cytogenetic location: 6q27.
Variant type: single nucleotide variant.
Coding change: c.857G>A on transcript NM_018341.3 (MANE Select); coding-DNA position 857, G replaced by A.
Protein change: p.Arg286Lys; replaces arginine 286 with lysine.
Molecular consequence: missense variant.
Genome position (GRCh38, 1-based): chr6:169,760,756, G>A. VCF-style: chr6-169760756-G-A. GRCh37 (hg19) VCF-style: chr6-170160852-G-A.
Other names: c.857G>A, p.Arg286Lys (NM_001278531.2, NM_001278533.2); c.479G>A, p.Arg160Lys (NM_001278532.2, NM_001410957.1); short protein forms R286K, R160K.
Identifiers: ClinVar variation 2097169 (VCV002097169.4), dbSNP rs756037767, ClinGen allele CA4106009.

ClinVar aggregate classification (germline): Uncertain significance (1 of 4 stars; one submission).

Allele frequency attached by ClinVar (database versions not stated): ExAC 0.00001.

Submission:

Labcorp Genetics (formerly Invitae), Labcorp
Classification: Uncertain significance. Last evaluated: 2022-07-12. Review status: criteria provided, single submitter. Criteria: Invitae Variant Classification Sherloc (09022015). Collection method: clinical testing. Allele origin: germline.
Comment: In summary, the available evidence is currently insufficient to determine the role of this variant in disease. Therefore, it has been classified as a Variant of Uncertain Significance. Variants that disrupt the consensus splice site are a relatively common cause of aberrant splicing (PMID: 17576681, 9536098). Algorithms developed to predict the effect of sequence changes on RNA splicing suggest that this variant may disrupt the consensus splice site. Algorithms developed to predict the effect of missense changes on protein structure and function are either unavailable or do not agree on the potential impact of this missense change (SIFT: "Deleterious"; PolyPhen-2: "Probably Damaging"; Align-GVGD: "Class C0"). This variant has not been reported in the literature in individuals affected with ERMARD-related conditions. This variant is present in population databases (rs756037767, gnomAD 0.0009%). This sequence change replaces arginine, which is basic and polar, with lysine, which is basic and polar, at codon 286 of the ERMARD protein (p.Arg286Lys). This variant also falls at the last nucleotide of exon 8, which is part of the consensus splice site for this exon.

Literature cited by the submitters: PubMed 17576681; PubMed 9536098.